The following is an entry in ClinVar:

ClinVar aggregate classification (germline): Benign/Likely benign. Review status: criteria provided, multiple submitters, no conflicts (2 of 4 stars). 3 submissions from 3 submitters: Benign (1); Likely benign (2). Last evaluated 2024-11-04.

Conditions:
Hereditary cancer-predisposing syndrome. Also called: Hereditary neoplastic syndrome; Hereditary Cancer Syndrome; Tumor predisposition; Neoplastic Syndromes, Hereditary. Identifiers: Orphanet 140162, MedGen C0027672, MeSH D009386, MONDO:0015356.
Multiple endocrine neoplasia, type 1 (MEN1). Also called: MEA I; MEN I; WERMER SYNDROME; Endocrine adenomatosis multiple; MEN 1. Identifiers: Orphanet 652, MedGen C0025267, MeSH D018761, MONDO:0007540, OMIM 131100.

Submissions (3):

Myriad Genetics, Inc.
Classification: Benign for Multiple endocrine neoplasia, type 1. Last evaluated: 2024-11-04. Review status: criteria provided, single submitter. Criteria: Myriad Autosomal Dominant, Autosomal Recessive and X-Linked Classification Criteria (2023). Collection method: clinical testing. Allele origin: unknown.
Comment: This variant is considered benign. This variant is a silent/synonymous amino acid change and it is not expected to impact splicing.

Labcorp Genetics (formerly Invitae), Labcorp
Classification: Likely benign for Multiple endocrine neoplasia, type 1. Last evaluated: 2023-11-14. Review status: criteria provided, single submitter. Criteria: Invitae Variant Classification Sherloc (09022015). Collection method: clinical testing. Allele origin: germline.

Ambry Genetics
Classification: Likely benign for Hereditary cancer-predisposing syndrome. Last evaluated: 2022-04-22. Review status: criteria provided, single submitter. Criteria: Ambry Variant Classification Scheme 2023. Collection method: clinical testing. Allele origin: germline.

NM_001370259.2(MEN1):c.876C>G (p.Thr292=)

Gene: MEN1 (menin 1; minus strand). Cytogenetic location: 11q13.1.
Variant type: single nucleotide variant.
Coding change: c.876C>G on transcript NM_001370259.2 (MANE Select); coding-DNA position 876, C replaced by G.
Protein change: p.Thr292=; no amino-acid change (threonine 292 retained).
Molecular consequence: synonymous variant.
Genome position (GRCh38, 1-based): chr11:64,807,047, G>C on the plus strand (C>G on the coding strand, the complement: MEN1 is on the minus strand). VCF-style: chr11-64807047-G-C. GRCh37 (hg19) VCF-style: chr11-64574519-G-C.
Other names: c.891C>G, p.Thr297= (NM_000244.4, NM_130800.3, NM_130801.3 and 3 more transcripts); c.876C>G, p.Thr292= (NM_001370251.2, NM_001370260.2, NM_001370261.2 and 1 more transcripts); c.771C>G, p.Thr257= (NM_001370262.2, NM_001370263.2).
Identifiers: ClinVar variation 1665656 (VCV001665656.11), dbSNP rs756782257, ClinGen allele CA474983579.